The following is an entry in ClinVar:

ClinVar aggregate classification (germline): Uncertain significance (1 of 4 stars; one submission).

Conditions:
Inborn genetic diseases. Identifiers: MedGen C0950123, MeSH D030342.

Submission:

Ambry Genetics
Classification: Uncertain significance for Inborn genetic diseases. Last evaluated: 2026-01-19. Review status: criteria provided, single submitter. Criteria: Ambry Variant Classification Scheme 2023. Collection method: clinical testing. Allele origin: germline.
Comment: The p.D1420G variant (also known as c.4259A>G), located in coding exon 15 of the FANCM gene, results from an A to G substitution at nucleotide position 4259. The aspartic acid at codon 1420 is replaced by glycine, an amino acid with similar properties. This amino acid position is conserved. In addition, this alteration is predicted to be tolerated by in silico analysis. Based on the available evidence, the clinical significance of this variant remains unclear.

NM_020937.4(FANCM):c.4259A>G (p.Asp1420Gly)

Gene: FANCM (FA complementation group M; plus strand). Cytogenetic location: 14q21.2.
Variant type: single nucleotide variant.
Coding change: c.4259A>G on transcript NM_020937.4 (MANE Select); coding-DNA position 4259, A replaced by G.
Protein change: p.Asp1420Gly; replaces aspartic acid 1420 with glycine.
Molecular consequence: missense variant.
Genome position (GRCh38, 1-based): chr14:45,181,466, A>G. VCF-style: chr14-45181466-A-G. GRCh37 (hg19) VCF-style: chr14-45650669-A-G.
Other names: c.4181A>G, p.Asp1394Gly (NM_001308133.2); short protein forms D1420G, D1394G.
Identifiers: ClinVar variation 4844534 (VCV004844534.1).